The following is an entry in ClinVar:

ClinVar aggregate classification (germline): Uncertain significance. Review status: criteria provided, single submitter (1 of 4 stars). 2 submissions from 2 submitters: Uncertain significance (1). 1 of the submissions does not count toward it. Last evaluated 2022-03-20.

Conditions:
Autosomal recessive distal spinal muscular atrophy 1. Also called: HMN VI; NEURONOPATHY, SEVERE INFANTILE AXONAL, WITH RESPIRATORY FAILURE; SEVERE INFANTILE AXONAL NEUROPATHY WITH RESPIRATORY FAILURE; SPINAL MUSCULAR ATROPHY, DIAPHRAGMATIC; Spinal muscular atrophy with respiratory distress 1; NEURONOPATHY, DISTAL HEREDITARY MOTOR, HARDING TYPE VI. Identifiers: Orphanet 98920, MedGen C1858517, MONDO:0011436, OMIM 604320.
Charcot-Marie-Tooth disease axonal type 2S. Also called: CHARCOT-MARIE-TOOTH NEUROPATHY, TYPE 2S; CHARCOT-MARIE-TOOTH DISEASE, AXONAL, AUTOSOMAL RECESSIVE, TYPE 2S. Identifiers: Orphanet 443073, MedGen C4015349, MONDO:0014511, OMIM 616155.
Distal spinal muscular atrophy. Also called: Distal hereditary motor neuronopathy; Distal hereditary motor neuropathy. Identifiers: Orphanet 53739, MedGen C0393541, MONDO:0018894.

Allele frequency attached by ClinVar (database versions not stated): gnomAD 0.00001; gnomAD exomes 0.00001 and 0.00002; TOPMed 0.00001; ExAC 0.00002.
gnomAD v4.1: 17 of 1,613,266 alleles (0.0011%); highest among the groups gnomAD compares: Non-Finnish European, 0.00017%; no homozygotes.

Submissions (2):

Labcorp Genetics (formerly Invitae), Labcorp
Classification: Uncertain significance for Autosomal recessive distal spinal muscular atrophy 1; Charcot-Marie-Tooth disease axonal type 2S. Last evaluated: 2022-03-20. Review status: criteria provided, single submitter. Criteria: Invitae Variant Classification Sherloc (09022015). Collection method: clinical testing. Allele origin: germline.
Comment: This sequence change replaces proline, which is neutral and non-polar, with threonine, which is neutral and polar, at codon 789 of the IGHMBP2 protein (p.Pro789Thr). This variant is present in population databases (rs761789207, gnomAD 0.05%). This variant has not been reported in the literature in individuals affected with IGHMBP2-related conditions. ClinVar contains an entry for this variant (Variation ID: 827641). Advanced modeling of protein sequence and biophysical properties (such as structural, functional, and spatial information, amino acid conservation, physicochemical variation, residue mobility, and thermodynamic stability) performed at Invitae indicates that this missense variant is not expected to disrupt IGHMBP2 protein function. In summary, the available evidence is currently insufficient to determine the role of this variant in disease. Therefore, it has been classified as a Variant of Uncertain Significance.

Inherited Neuropathy Consortium
Classification: Likely pathogenic for Distal spinal muscular atrophy. Review status: no assertion criteria provided. Collection method: provider interpretation. Allele origin: inherited. Affected: yes. Not counted in ClinVar's aggregate classification.

NM_002180.3(IGHMBP2):c.2365C>A (p.Pro789Thr)

Gene: IGHMBP2 (immunoglobulin mu DNA binding protein 2; plus strand). Cytogenetic location: 11q13.3.
Variant type: single nucleotide variant.
Coding change: c.2365C>A on transcript NM_002180.3 (MANE Select); coding-DNA position 2365, C replaced by A.
Protein change: p.Pro789Thr; replaces proline 789 with threonine.
Molecular consequence: missense variant.
Genome position (GRCh38, 1-based): chr11:68,936,845, C>A. VCF-style: chr11-68936845-C-A. GRCh37 (hg19) VCF-style: chr11-68704313-C-A.
Other names: short protein forms P789T.
Identifiers: ClinVar variation 827641 (VCV000827641.8), dbSNP rs761789207, ClinGen allele CA6153894.